The following is an entry in ClinVar:

NM_001035.3(RYR2):c.6460G>C (p.Val2154Leu)

Gene: RYR2 (ryanodine receptor 2; plus strand). Cytogenetic location: 1q43.
Variant type: single nucleotide variant.
Coding change: c.6460G>C on transcript NM_001035.3 (MANE Select); coding-DNA position 6460, G replaced by C.
Protein change: p.Val2154Leu; replaces valine 2154 with leucine.
Molecular consequence: missense variant.
Genome position (GRCh38, 1-based): chr1:237,631,446, G>C. VCF-style: chr1-237631446-G-C. GRCh37 (hg19) VCF-style: chr1-237794746-G-C.
Other names: short protein forms V2154L.
Identifiers: ClinVar variation 4800080 (VCV004800080.1).

ClinVar aggregate classification (germline): Uncertain significance (1 of 4 stars; one submission).

Conditions:
Catecholaminergic polymorphic ventricular tachycardia 1. Also called: VENTRICULAR TACHYCARDIA, STRESS-INDUCED POLYMORPHIC 1; RYR2-Related Catecholaminergic Polymorphic Ventricular Tachycardia; VENTRICULAR TACHYCARDIA, CATECHOLAMINERGIC POLYMORPHIC, 1, WITH OR WITHOUT ATRIAL DYSFUNCTION AND/OR DILATED CARDIOMYOPATHY. Identifiers: Orphanet 3286, MedGen C1631597, MONDO:0011484, OMIM 604772.

Submission:

Labcorp Genetics (formerly Invitae), Labcorp
Classification: Uncertain significance for Catecholaminergic polymorphic ventricular tachycardia 1. Last evaluated: 2025-08-09. Review status: criteria provided, single submitter. Criteria: Invitae Variant Classification Sherloc (09022015). Collection method: clinical testing. Allele origin: germline.
Comment: This sequence change replaces valine, which is neutral and non-polar, with leucine, which is neutral and non-polar, at codon 2154 of the RYR2 protein (p.Val2154Leu). This variant is not present in population databases (gnomAD no frequency). This variant has not been reported in the literature in individuals affected with RYR2-related conditions. Invitae Evidence Modeling of protein sequence and biophysical properties (such as structural, functional, and spatial information, amino acid conservation, physicochemical variation, residue mobility, and thermodynamic stability) indicates that this missense variant is expected to disrupt RYR2 protein function with a positive predictive value of 95%. In summary, the available evidence is currently insufficient to determine the role of this variant in disease. Therefore, it has been classified as a Variant of Uncertain Significance.